The following is an entry in ClinVar:

ClinVar aggregate classification (germline): Uncertain significance (1 of 4 stars; one submission).

Allele frequency attached by ClinVar (database versions not stated): gnomAD exomes 0.00001 and 0.00002; TOPMed 0.00001; ExAC 0.00002.
gnomAD v4.1: 22 of 1,613,912 alleles (0.0014%); highest among the groups gnomAD compares: Non-Finnish European, 0.0018%; no homozygotes.

Submission:

GeneDx
Classification: Uncertain significance. Last evaluated: 2024-06-12. Review status: criteria provided, single submitter. Criteria: GeneDx Variant Classification Process June 2021. Collection method: clinical testing. Allele origin: germline. Affected: yes.
Comment: Functional studies indicate that Y582F exhibits stimulated cAMP accumulation activity and cell surface expression that is similar to wild type protein (PMID: 20652618); In silico analysis supports that this missense variant has a deleterious effect on protein structure/function; Has not been previously published in human subjects to our knowledge; This variant is associated with the following publications: (PMID: 20652618)

NM_000369.5(TSHR):c.1745A>T (p.Tyr582Phe)

Genes: TSHR (thyroid stimulating hormone receptor; plus strand), TSHR-AS1 (TSHR antisense RNA 1; minus strand). Cytogenetic location: 14q31.1.
Variant type: single nucleotide variant.
Coding change: c.1745A>T on transcript NM_000369.5 (MANE Select); coding-DNA position 1745, A replaced by T.
Protein change: p.Tyr582Phe; replaces tyrosine 582 with phenylalanine.
Molecular consequence: missense variant.
Genome position (GRCh38, 1-based): chr14:81,143,803, A>T. VCF-style: chr14-81143803-A-T. GRCh37 (hg19) VCF-style: chr14-81610147-A-T.
Other names: short protein forms Y582F.
Identifiers: ClinVar variation 1307093 (VCV001307093.3), dbSNP rs751266534, ClinGen allele CA7294517.